The following is an entry in ClinVar:

ClinVar aggregate classification (germline): Conflicting classifications of pathogenicity. Review status: criteria provided, conflicting classifications (1 of 4 stars). 3 submissions from 3 submitters: Likely pathogenic (1); Uncertain significance (1). 1 of the submissions does not count toward it. Last evaluated 2022-01-31.

Conditions:
Infantile liver failure syndrome 2 (ILFS2). Identifiers: MedGen C3809651, MONDO:0014659, OMIM 616483.

Allele frequency attached by ClinVar (database versions not stated): gnomAD 0.00002 and 0.00003; TOPMed 0.00007.
gnomAD v4.1: 14 of 1,613,688 alleles (0.00087%); highest among the groups gnomAD compares: African/African-American, 0.0027%; no homozygotes.

Submissions (3):

Labcorp Genetics (formerly Invitae), Labcorp
Classification: Uncertain significance. Last evaluated: 2022-01-31. Review status: criteria provided, single submitter. Criteria: Invitae Variant Classification Sherloc (09022015). Collection method: clinical testing. Allele origin: germline.
Comment: This sequence change replaces arginine, which is basic and polar, with tryptophan, which is neutral and slightly polar, at codon 873 of the NBAS protein (p.Arg873Trp). This variant is present in population databases (no rsID available, gnomAD 0.006%). This missense change has been observed in individual(s) with infantile liver failure (PMID: 30558828). ClinVar contains an entry for this variant (Variation ID: 869407). Algorithms developed to predict the effect of missense changes on protein structure and function (SIFT, PolyPhen-2, Align-GVGD) all suggest that this variant is likely to be disruptive. In summary, the available evidence is currently insufficient to determine the role of this variant in disease. Therefore, it has been classified as a Variant of Uncertain Significance.

Kids Research, The Children's Hospital at Westmead
Classification: Likely pathogenic for Infantile liver failure syndrome 2. Review status: criteria provided, single submitter. Criteria: ACMG Guidelines, 2015. Collection method: research. Allele origin: inherited. Inheritance: Autosomal recessive inheritance. Affected: yes.

OMIM
Classification: Pathogenic for INFANTILE LIVER FAILURE SYNDROME 2. Last evaluated: 2024-03-12. Review status: no assertion criteria provided. Collection method: literature only. Allele origin: germline. Not counted in ClinVar's aggregate classification.

Literature cited by the submitters: PubMed 30558828 (cited by Labcorp Genetics (formerly Invitae), Labcorp and OMIM); PubMed 32313153 (cited by Kids Research, The Children's Hospital at Westmead).

NM_015909.4(NBAS):c.2617C>T (p.Arg873Trp)

Gene: NBAS (NBAS subunit of NRZ tethering complex; minus strand). Cytogenetic location: 2p24.3.
Variant type: single nucleotide variant.
Coding change: c.2617C>T on transcript NM_015909.4 (MANE Select); coding-DNA position 2617, C replaced by T.
Protein change: p.Arg873Trp; replaces arginine 873 with tryptophan.
Molecular consequence: missense variant. On other transcripts: non-coding transcript variant (1).
Genome position (GRCh38, 1-based): chr2:15,417,673, G>A on the plus strand (C>T on the coding strand, the complement: NBAS is on the minus strand). VCF-style: chr2-15417673-G-A. GRCh37 (hg19) VCF-style: chr2-15557797-G-A.
Other names: short protein forms R873W.
Identifiers: ClinVar variation 869407 (VCV000869407.6), dbSNP rs897487519, ClinGen allele CA42629344.